The following is an entry in ClinVar:

NM_000093.5(COL5A1):c.2808C>T (p.Ser936=)

Gene: COL5A1 (collagen type V alpha 1 chain; plus strand). Cytogenetic location: 9q34.3.
Variant type: single nucleotide variant.
Coding change: c.2808C>T on transcript NM_000093.5 (MANE Select); coding-DNA position 2808, C replaced by T.
Protein change: p.Ser936=; no amino-acid change (serine 936 retained).
Molecular consequence: synonymous variant.
Genome position (GRCh38, 1-based): chr9:134,796,382, C>T. VCF-style: chr9-134796382-C-T. GRCh37 (hg19) VCF-style: chr9-137688228-C-T.
Other names: c.2808C>T, p.Ser936= (NM_001278074.1); c.2808C>T (NM_000093.3).
Identifiers: ClinVar variation 699816 (VCV000699816.13), dbSNP rs142849628, ClinGen allele CA5319607.
Genomic context (GRCh38, chr9:134,796,382, plus strand): 5'-CATCCAAATAATAACAATCATAAGCTTTTCCCCCCTCTCCTTCCCTCTCAAGGGCAACTC[C>T]GGAGGTGACGGCCCAGCTGGCCCTCCTGGTGAACGGGTAAGCAGCTGGAGCCTTCGGGGG-3'
Protein context (NP_000084.3, residues 926-946): ITGKPGPKGN[Ser936=]GGDGPAGPPG

ClinVar aggregate classification (germline): Benign/Likely benign. Review status: criteria provided, multiple submitters, no conflicts (2 of 4 stars). 4 submissions from 4 submitters: Benign (1); Likely benign (2). 1 of the submissions does not count toward it. Last evaluated 2026-04-20.

Conditions:
Ehlers-Danlos syndrome, classic type, 1 (EDSCL1). Also called: EDS I; EHLERS-DANLOS SYNDROME, GRAVIS TYPE; EHLERS-DANLOS SYNDROME, SEVERE CLASSIC TYPE; Ehlers-Danlos Syndrome, Classic Type, COL5A1-Related; Ehlers-Danlos syndrome, type 1. Identifiers: MedGen C0268335, MONDO:0019567, OMIM 130000.
COL5A1-related disorder. Also called: COL5A1-related condition.
Familial thoracic aortic aneurysm and aortic dissection (TAAD). Also called: Thoracic aortic aneurysms and dissections. Identifiers: Orphanet 91387, MedGen C4707243, MONDO:0019625.

Allele frequency attached by ClinVar (database versions not stated): gnomAD exomes 0.00002 and 0.00004; TOPMed 0.00006; gnomAD 0.00002; ExAC 0.00003; ESP Exome Variant Server 0.00015.
gnomAD v4.1: 35 of 1,614,024 alleles (0.0022%); highest among the groups gnomAD compares: East Asian, 0.011%; no homozygotes.

Submissions (4):

Women's Health and Genetics/Laboratory Corporation of America, LabCorp
Classification: Benign. Last evaluated: 2026-04-20. Review status: criteria provided, single submitter. Criteria: LabCorp Variant Classification Summary - May 2015. Collection method: clinical testing. Allele origin: germline.

Labcorp Genetics (formerly Invitae), Labcorp
Classification: Likely benign for Ehlers-Danlos syndrome, classic type, 1. Last evaluated: 2025-06-07. Review status: criteria provided, single submitter. Criteria: Invitae Variant Classification Sherloc (09022015). Collection method: clinical testing. Allele origin: germline.

Ambry Genetics
Classification: Likely benign for Familial thoracic aortic aneurysm and aortic dissection. Last evaluated: 2023-03-05. Review status: criteria provided, single submitter. Criteria: Ambry Variant Classification Scheme 2023. Collection method: clinical testing. Allele origin: germline.

PreventionGenetics, part of Exact Sciences
Classification: Likely benign for COL5A1-related condition. Last evaluated: 2022-06-15. Review status: no assertion criteria provided. Collection method: clinical testing. Allele origin: germline. Not counted in ClinVar's aggregate classification.
Comment: This variant is classified as likely benign based on ACMG/AMP sequence variant interpretation guidelines (Richards et al. 2015 PMID: 25741868, with internal and published modifications).